The following is an entry in ClinVar:

ClinVar aggregate classification (germline): Uncertain significance. Review status: criteria provided, multiple submitters, no conflicts (2 of 4 stars). 2 submissions from 2 submitters: Uncertain significance (2). Last evaluated 2024-01-03.

Conditions:
Inborn genetic diseases. Identifiers: MedGen C0950123, MeSH D030342.

gnomAD v4.1: 3 of 1,613,094 alleles (0.00019%); highest among the groups gnomAD compares: Non-Finnish European, 0.00025%; no homozygotes.

Submissions (2):

Ambry Genetics
Classification: Uncertain significance for Inborn genetic diseases. Last evaluated: 2024-01-03. Review status: criteria provided, single submitter. Criteria: Ambry Variant Classification Scheme 2023. Collection method: clinical testing. Allele origin: germline.

Labcorp Genetics (formerly Invitae), Labcorp
Classification: Uncertain significance. Last evaluated: 2021-05-02. Review status: criteria provided, single submitter. Criteria: Invitae Variant Classification Sherloc (09022015). Collection method: clinical testing. Allele origin: germline.
Comment: In summary, the available evidence is currently insufficient to determine the role of this variant in disease. Therefore, it has been classified as a Variant of Uncertain Significance. Algorithms developed to predict the effect of missense changes on protein structure and function are either unavailable or do not agree on the potential impact of this missense change (SIFT: "Deleterious"; PolyPhen-2: "Benign"; Align-GVGD: "Class C0"). This variant has been observed in one or more individuals who were not affected with SEPT9-related conditions (Invitae). This variant is not present in population databases (ExAC no frequency). This sequence change replaces arginine with leucine at codon 272 of the SEPT9 protein (p.Arg272Leu). The arginine residue is moderately conserved and there is a moderate physicochemical difference between arginine and leucine.

NM_001113491.2(SEPTIN9):c.869G>T (p.Arg290Leu)

Gene: SEPTIN9 (septin 9; plus strand). Cytogenetic location: 17q25.3.
Variant type: single nucleotide variant.
Coding change: c.869G>T on transcript NM_001113491.2 (MANE Select); coding-DNA position 869, G replaced by T.
Protein change: p.Arg290Leu; replaces arginine 290 with leucine.
Molecular consequence: missense variant.
Genome position (GRCh38, 1-based): chr17:77,482,291, G>T. VCF-style: chr17-77482291-G-T. GRCh37 (hg19) VCF-style: chr17-75478373-G-T.
Other names: c.377G>T, p.Arg126Leu (NM_001113492.2, NM_001113494.1); c.848G>T, p.Arg283Leu (NM_001113493.2); c.116G>T, p.Arg39Leu (NM_001113495.2, NM_001113496.2, NM_001293697.2 and 1 more transcripts); c.812G>T, p.Arg271Leu (NM_001293695.2); c.197G>T, p.Arg66Leu (NM_001293696.2); c.815G>T, p.Arg272Leu (NM_006640.5); c.815G>T (NM_006640.4); short protein forms R126L, R271L, R272L, R283L, R290L, R39L, R66L.
Identifiers: ClinVar variation 1682627 (VCV001682627.8), dbSNP rs557154026, ClinGen allele CA401207976.